The following is an entry in ClinVar:

NM_138713.4(NFAT5):c.4453C>T (p.Pro1485Ser)

Gene: NFAT5 (nuclear factor of activated T cells 5; plus strand). Cytogenetic location: 16q22.1.
Variant type: single nucleotide variant.
Coding change: c.4453C>T on transcript NM_138713.4 (MANE Select); coding-DNA position 4453, C replaced by T.
Protein change: p.Pro1485Ser; replaces proline 1485 with serine.
Molecular consequence: missense variant.
Genome position (GRCh38, 1-based): chr16:69,695,174, C>T. VCF-style: chr16-69695174-C-T. GRCh37 (hg19) VCF-style: chr16-69729077-C-T.
Other names: c.4450C>T, p.Pro1484Ser (NM_001113178.3); c.3778C>T, p.Pro1260Ser (NM_001367709.1); c.4399C>T, p.Pro1467Ser (NM_006599.4); c.4171C>T, p.Pro1391Ser (NM_138714.4, NM_173214.3, NM_173215.3); short protein forms P1260S, P1391S, P1467S, P1484S, P1485S.
Identifiers: ClinVar variation 4802387 (VCV004802387.1).

ClinVar aggregate classification (germline): Uncertain significance (1 of 4 stars; one submission).

Conditions:
Immunodeficiency. Identifiers: MedGen C0021051, MONDO:0021094, HP:0002721.

gnomAD v4.1: 6 of 1,614,156 alleles (0.00037%); highest among the groups gnomAD compares: Admixed American, 0.01%; no homozygotes.

Submission:

Labcorp Genetics (formerly Invitae), Labcorp
Classification: Uncertain significance for Immunodeficiency. Last evaluated: 2025-12-31. Review status: criteria provided, single submitter. Criteria: Invitae Variant Classification Sherloc (09022015). Collection method: clinical testing. Allele origin: germline.
Comment: This sequence change replaces proline, which is neutral and non-polar, with serine, which is neutral and polar, at codon 1391 of the NFAT5 protein (p.Pro1391Ser). This variant is present in population databases (rs750180539, gnomAD 0.02%). This variant has not been reported in the literature in individuals affected with NFAT5-related conditions. An algorithm developed to predict the effect of missense changes on protein structure and function (PolyPhen-2) suggests that this variant is likely to be tolerated. In summary, the available evidence is currently insufficient to determine the role of this variant in disease. Therefore, it has been classified as a Variant of Uncertain Significance.